The following is an entry in ClinVar:

ClinVar aggregate classification (germline): Conflicting classifications of pathogenicity. Review status: criteria provided, conflicting classifications (1 of 4 stars). 5 submissions from 5 submitters: Uncertain significance (1); Benign (1); Likely benign (2). 1 of the submissions does not count toward it. Last evaluated 2025-11-30.

Conditions:
PALLD-related disorder. Also called: PALLD-related condition.
Pancreatic adenocarcinoma. Identifiers: MedGen C0281361, MONDO:0006047, HP:0006725.
Pancreatic cancer, susceptibility to, 1. Identifiers: Orphanet 1333, MedGen C1847351, MONDO:0011739, OMIM 606856.

Allele frequency attached by ClinVar (database versions not stated): TOPMed 0.00018; gnomAD 0.00019 and 0.00020; ExAC 0.00037; gnomAD exomes 0.00044.
gnomAD v4.1: 170 of 1,448,004 alleles (0.012%); highest among the groups gnomAD compares: Middle Eastern, 0.086%; no homozygotes.

Submissions (5):

Labcorp Genetics (formerly Invitae), Labcorp
Classification: Likely benign for Pancreatic adenocarcinoma. Last evaluated: 2025-11-30. Review status: criteria provided, single submitter. Criteria: Invitae Variant Classification Sherloc (09022015). Collection method: clinical testing. Allele origin: germline.

KCCC/NGS Laboratory, Kuwait Cancer Control Center
Classification: Benign for Pancreatic cancer, susceptibility to, 1. Last evaluated: 2025-02-01. Review status: criteria provided, single submitter. Criteria: ACMG Guidelines, 2015. Collection method: clinical testing. Allele origin: germline. Affected: no.

Ambry Genetics
Classification: Likely benign. Last evaluated: 2024-12-30. Review status: criteria provided, single submitter. Criteria: Ambry Variant Classification Scheme 2023. Collection method: clinical testing. Allele origin: germline.

Department of Pathology and Laboratory Medicine, Sinai Health System
Classification: Uncertain significance for Pancreatic cancer, susceptibility to, 1. Last evaluated: 2023-04-21. Review status: criteria provided, single submitter. Criteria: ACMG Guidelines, 2015. Collection method: research. Allele origin: germline.

PreventionGenetics, part of Exact Sciences
Classification: Likely benign for PALLD-related condition. Last evaluated: 2020-10-06. Review status: no assertion criteria provided. Collection method: clinical testing. Allele origin: germline. Not counted in ClinVar's aggregate classification.
Comment: This variant is classified as likely benign based on ACMG/AMP sequence variant interpretation guidelines (Richards et al. 2015 PMID: 25741868, with internal and published modifications).

NM_001166108.2(PALLD):c.1965-12840C>G

Gene: PALLD (palladin, cytoskeletal associated protein; plus strand). Cytogenetic location: 4q32.3.
Variant type: single nucleotide variant.
Coding change: c.1965-12840C>G on transcript NM_001166108.2 (MANE Select); 12840 bases into the intron before coding-DNA position 1965, C replaced by G.
Molecular consequence: intron variant. On other transcripts: missense variant (1).
Genome position (GRCh38, 1-based): chr4:168,878,082, C>G. VCF-style: chr4-168878082-C-G. GRCh37 (hg19) VCF-style: chr4-169799233-C-G.
Other names: c.191C>G, p.Ala64Gly (NM_001166110.2); c.1965-12840C>G (NM_016081.4, NM_001166108.1); c.819-12840C>G (NM_001166109.2); c.-157-12840C>G (NM_001367570.1, NM_001367568.1, NM_001367567.1 and 1 more transcripts); short protein forms A64G.
Identifiers: ClinVar variation 136001 (VCV000136001.16), dbSNP rs587780757, ClinGen allele CA332731.